The following is an entry in ClinVar:

ClinVar aggregate classification (germline): Uncertain significance (1 of 4 stars; one submission).

gnomAD v4.1: 1 of 1,181,184 alleles (0.000085%); highest among the groups gnomAD compares: Admixed American, 0.0047%; no homozygotes.

Submission:

Labcorp Genetics (formerly Invitae), Labcorp
Classification: Uncertain significance. Last evaluated: 2024-10-23. Review status: criteria provided, single submitter. Criteria: Invitae Variant Classification Sherloc (09022015). Collection method: clinical testing. Allele origin: germline.
Comment: This sequence change replaces proline, which is neutral and non-polar, with glutamine, which is neutral and polar, at codon 923 of the GRIN2D protein (p.Pro923Gln). The frequency data for this variant in the population databases is considered unreliable, as metrics indicate insufficient coverage at this position in the gnomAD database. This variant has not been reported in the literature in individuals affected with GRIN2D-related conditions. Invitae Evidence Modeling of protein sequence and biophysical properties (such as structural, functional, and spatial information, amino acid conservation, physicochemical variation, residue mobility, and thermodynamic stability) indicates that this missense variant is not expected to disrupt GRIN2D protein function with a negative predictive value of 95%. In summary, the available evidence is currently insufficient to determine the role of this variant in disease. Therefore, it has been classified as a Variant of Uncertain Significance.

NM_000836.4(GRIN2D):c.2768C>A (p.Pro923Gln)

Gene: GRIN2D (glutamate ionotropic receptor NMDA type subunit 2D; plus strand). Cytogenetic location: 19q13.33.
Variant type: single nucleotide variant.
Coding change: c.2768C>A on transcript NM_000836.4 (MANE Select); coding-DNA position 2768, C replaced by A.
Protein change: p.Pro923Gln; replaces proline 923 with glutamine.
Molecular consequence: missense variant.
Genome position (GRCh38, 1-based): chr19:48,442,694, C>A. VCF-style: chr19-48442694-C-A. GRCh37 (hg19) VCF-style: chr19-48945951-C-A.
Other names: short protein forms P923Q.
Identifiers: ClinVar variation 3700962 (VCV003700962.2).